The following is an entry in ClinVar:

ClinVar aggregate classification (germline): Likely benign. Review status: criteria provided, multiple submitters, no conflicts (2 of 4 stars). 5 submissions from 5 submitters: Likely benign (2). 3 of the submissions do not count toward it. Last evaluated 2026-01-17.

Conditions:
SMAD6-related disease. Also called: SMAD6-related condition; SMAD6-related disorder. Identifiers: MedGen CN381596, MONDO:0700324.
Inborn genetic diseases. Identifiers: MedGen C0950123, MeSH D030342.
Aortic valve disease 2 (AOVD2). Identifiers: MedGen C3542024, MONDO:0013902, OMIM 614823.

Allele frequency attached by ClinVar (database versions not stated): ExAC below 0.00001; gnomAD 0.00009 and 0.00011; gnomAD exomes 0.00010; TOPMed 0.00011.
gnomAD v4.1: 205 of 1,482,736 alleles (0.014%); highest among the groups gnomAD compares: Non-Finnish European, 0.018%; no homozygotes.

Submissions (5):

Labcorp Genetics (formerly Invitae), Labcorp
Classification: Likely benign for Aortic valve disease 2. Last evaluated: 2026-01-17. Review status: criteria provided, single submitter. Criteria: Invitae Variant Classification Sherloc (09022015). Collection method: clinical testing. Allele origin: germline.

Ambry Genetics
Classification: Likely benign for Inborn genetic diseases. Last evaluated: 2019-12-30. Review status: criteria provided, single submitter. Criteria: Ambry Variant Classification Scheme 2023. Collection method: clinical testing. Allele origin: germline.

PreventionGenetics, part of Exact Sciences
Classification: Likely benign for SMAD6-related condition. Last evaluated: 2024-06-17. Review status: no assertion criteria provided. Collection method: clinical testing. Allele origin: germline. Not counted in ClinVar's aggregate classification.
Comment: This variant is classified as likely benign based on ACMG/AMP sequence variant interpretation guidelines (Richards et al. 2015 PMID: 25741868, with internal and published modifications).

Clinical Genetics DNA and cytogenetics Diagnostics Lab, Erasmus MC, Erasmus Medical Center
Classification: Likely benign. Review status: no assertion criteria provided. Collection method: clinical testing. Allele origin: germline. Affected: yes. Study: VKGL Data-share Consensus. Not counted in ClinVar's aggregate classification.

Genome Diagnostics Laboratory, University Medical Center Utrecht
Classification: Likely benign. Review status: no assertion criteria provided. Collection method: clinical testing. Allele origin: germline. Affected: yes. Study: VKGL Data-share Consensus. Not counted in ClinVar's aggregate classification.

NM_005585.5(SMAD6):c.75C>T (p.Gly25=)

Gene: SMAD6 (SMAD family member 6; plus strand). Cytogenetic location: 15q22.31.
Variant type: single nucleotide variant.
Coding change: c.75C>T on transcript NM_005585.5 (MANE Select); coding-DNA position 75, C replaced by T.
Protein change: p.Gly25=; no amino-acid change (glycine 25 retained).
Molecular consequence: synonymous variant. On other transcripts: non-coding transcript variant (1).
Genome position (GRCh38, 1-based): chr15:66,703,333, C>T. VCF-style: chr15-66703333-C-T. GRCh37 (hg19) VCF-style: chr15-66995671-C-T.
Identifiers: ClinVar variation 405512 (VCV000405512.14), dbSNP rs755856670, ClinGen allele CA7626424.